The following is an entry in ClinVar:

NM_000059.4(BRCA2):c.4952C>G (p.Pro1651Arg)

Gene: BRCA2 (BRCA2 DNA repair associated; plus strand). Cytogenetic location: 13q13.1.
Variant type: single nucleotide variant.
Coding change: c.4952C>G on transcript NM_000059.4 (MANE Select); coding-DNA position 4952, C replaced by G.
Protein change: p.Pro1651Arg; replaces proline 1651 with arginine.
Molecular consequence: missense variant.
Genome position (GRCh38, 1-based): chr13:32,339,307, C>G. VCF-style: chr13-32339307-C-G. GRCh37 (hg19) VCF-style: chr13-32913444-C-G.
Other names: short protein forms P1651R.
Identifiers: ClinVar variation 531360 (VCV000531360.13), dbSNP rs565268514, ClinGen allele CA387783762.

ClinVar aggregate classification (germline): Conflicting classifications of pathogenicity. Review status: criteria provided, conflicting classifications (1 of 4 stars). 5 submissions from 5 submitters: Uncertain significance (4); Likely benign (1). Last evaluated 2025-09-10.

Conditions:
Hereditary breast ovarian cancer syndrome. Also called: Hereditary breast and ovarian cancer syndrome (HBOC); BRCA1- and BRCA2-Associated Hereditary Breast and Ovarian Cancer; Hereditary breast and ovarian cancer syndrome; Breast and ovarian cancer; Hereditary breast and ovarian cancer; Hereditary breast and/or ovarian cancer syndrome. Identifiers: Orphanet 145, MedGen C0677776, MeSH D061325, MONDO:0003582. Disease mechanism: loss of function.
Hereditary cancer-predisposing syndrome. Also called: Hereditary neoplastic syndrome; Neoplastic Syndromes, Hereditary; Tumor predisposition; Hereditary Cancer Syndrome. Identifiers: Orphanet 140162, MedGen C0027672, MeSH D009386, MONDO:0015356.

gnomAD v4.1: 2 of 1,603,548 alleles (0.00012%); highest among the groups gnomAD compares: Non-Finnish European, 0.00017%; no homozygotes.

Submissions (5):

Labcorp Genetics (formerly Invitae), Labcorp
Classification: Uncertain significance for Hereditary breast ovarian cancer syndrome. Last evaluated: 2025-09-10. Review status: criteria provided, single submitter. Criteria: Invitae Variant Classification Sherloc (09022015). Collection method: clinical testing. Allele origin: germline.
Comment: This sequence change replaces proline, which is neutral and non-polar, with arginine, which is basic and polar, at codon 1651 of the BRCA2 protein (p.Pro1651Arg). This variant is present in population databases (no rsID available, gnomAD 0.0009%). This variant has not been reported in the literature in individuals affected with BRCA2-related conditions. ClinVar contains an entry for this variant (Variation ID: 531360). Invitae Evidence Modeling of protein sequence and biophysical properties (such as structural, functional, and spatial information, amino acid conservation, physicochemical variation, residue mobility, and thermodynamic stability) indicates that this missense variant is not expected to disrupt BRCA2 protein function with a negative predictive value of 95%. In summary, the available evidence is currently insufficient to determine the role of this variant in disease. Therefore, it has been classified as a Variant of Uncertain Significance.

Ambry Genetics
Classification: Uncertain significance for Hereditary cancer-predisposing syndrome. Last evaluated: 2024-06-07. Review status: criteria provided, single submitter. Criteria: Ambry Variant Classification Scheme 2023. Collection method: clinical testing. Allele origin: germline.
Comment: The p.P1651R variant (also known as c.4952C>G), located in coding exon 10 of the BRCA2 gene, results from a C to G substitution at nucleotide position 4952. The proline at codon 1651 is replaced by arginine, an amino acid with dissimilar properties. This amino acid position is conserved. In addition, this alteration is predicted to be tolerated by in silico analysis. Based on the available evidence, the clinical significance of this variant remains unclear.

Color Diagnostics, LLC DBA Color Health
Classification: Uncertain significance for Hereditary cancer-predisposing syndrome. Last evaluated: 2024-03-06. Review status: criteria provided, single submitter. Criteria: ACMG Guidelines, 2015. Collection method: clinical testing. Allele origin: germline.
Comment: This missense variant replaces proline with arginine at codon 1651 of the BRCA2 protein. Computational prediction suggests that this variant may not impact protein structure and function (internally defined REVEL score threshold <= 0.5, PMID: 27666373). To our knowledge, functional studies have not been reported for this variant. This variant has not been reported in individuals affected with hereditary cancer in the literature. This variant has been identified in 1/241170 chromosomes in the general population by the Genome Aggregation Database (gnomAD). The available evidence is insufficient to determine the role of this variant in disease conclusively. Therefore, this variant is classified as a Variant of Uncertain Significance.

University of Washington Department of Laboratory Medicine, University of Washington
Classification: Likely benign for Hereditary cancer-predisposing syndrome. Last evaluated: 2023-03-23. Review status: criteria provided, single submitter. Criteria: Dines et al. (Genet Med. 2020). Collection method: curation. Allele origin: germline.
Comment: Missense variant in a coldspot region where missense variants are very unlikely to be pathogenic (PMID:31911673).

BRCA2 exon 11 coldspot. Reclassification based on statistical prior probability.

Women's Health and Genetics/Laboratory Corporation of America, LabCorp
Classification: Uncertain significance. Last evaluated: 2019-06-03. Review status: criteria provided, single submitter. Criteria: LabCorp Variant Classification Summary - May 2015. Collection method: clinical testing. Allele origin: germline.
Comment: Variant summary: BRCA2 c.4952C>G (p.Pro1651Arg) results in a non-conservative amino acid change in the encoded protein sequence. Three of five in-silico tools predict a damaging effect of the variant on protein function. The variant allele was found at a frequency of 4.1e-06 in 241170 control chromosomes. The available data on variant occurrences in the general population are insufficient to allow any conclusion about variant significance. To our knowledge, no occurrence of c.4952C>G in individuals affected with Hereditary Breast and Ovarian Cancer and no experimental evidence demonstrating its impact on protein function have been reported. One clinical diagnostic laboratory has submitted clinical-significance assessments for this variant to ClinVar after 2014 without evidence for independent evaluation. One laboratory classified the variant as uncertain significance. Based on the evidence outlined above, the variant was classified as uncertain significance.